The following is an entry in ClinVar:

ClinVar aggregate classification (germline): Uncertain significance (1 of 4 stars; one submission).

gnomAD v4.1: 13 of 1,571,102 alleles (0.00083%); highest among the groups gnomAD compares: South Asian, 0.014%; no homozygotes.

Submission:

GeneDx
Classification: Uncertain significance. Last evaluated: 2026-02-18. Review status: criteria provided, single submitter. Criteria: GeneDx Variant Classification Process June 2021. Collection method: clinical testing. Allele origin: germline.
Comment: In silico analysis suggests that this missense variant does not alter protein structure/function; Has not been previously published as pathogenic or benign to our knowledge

NM_003108.4(SOX11):c.902C>G (p.Ala301Gly)

Gene: SOX11 (SRY-box transcription factor 11; plus strand). Cytogenetic location: 2p25.2.
Variant type: single nucleotide variant.
Coding change: c.902C>G on transcript NM_003108.4 (MANE Select); coding-DNA position 902, C replaced by G.
Protein change: p.Ala301Gly; replaces alanine 301 with glycine.
Molecular consequence: missense variant.
Genome position (GRCh38, 1-based): chr2:5,693,623, C>G. VCF-style: chr2-5693623-C-G. GRCh37 (hg19) VCF-style: chr2-5833755-C-G.
Other names: short protein forms A301G.
Identifiers: ClinVar variation 5009712 (VCV005009712.1).